The following is an entry in ClinVar:

NM_004370.6(COL12A1):c.40G>A (p.Ala14Thr)

Gene: COL12A1 (collagen type XII alpha 1 chain; minus strand). Cytogenetic location: 6q14.1.
Variant type: single nucleotide variant.
Coding change: c.40G>A on transcript NM_004370.6 (MANE Select); coding-DNA position 40, G replaced by A.
Protein change: p.Ala14Thr; replaces alanine 14 with threonine.
Molecular consequence: missense variant.
Genome position (GRCh38, 1-based): chr6:75,202,753, C>T on the plus strand (G>A on the coding strand, the complement: COL12A1 is on the minus strand). VCF-style: chr6-75202753-C-T. GRCh37 (hg19) VCF-style: chr6-75912469-C-T.
Other names: c.40G>A, p.Ala14Thr (NM_001424113.1, NM_001424114.1, NM_001424115.1 and 2 more transcripts); short protein forms A14T.
Identifiers: ClinVar variation 4795049 (VCV004795049.2).
Genomic context (GRCh38, chr6:75,202,753, plus strand): 5'-TCGGTGAAGGGGAAGGGAGCCTTTTACCTTCTGCCTCAATGGAAGACAGGAGCAGGGCCG[C>T]GCCCAGGGCGGCAAGCGCTGGGGGAAGCCTACTCCGCATCCTTGGCCTCCGAGCTTACAG-3'
Protein context (NP_004361.3, residues 4-24): RLPPALAALG[Ala14Thr]ALLLSSIEAE

ClinVar aggregate classification (germline): Uncertain significance. Review status: criteria provided, multiple submitters, no conflicts (2 of 4 stars). 2 submissions from 2 submitters: Uncertain significance (2). Last evaluated 2026-02-19.

Conditions:
Ullrich congenital muscular dystrophy 2 (UCMD2). Identifiers: Orphanet 75840, MedGen C4225314, MONDO:0014654, OMIM 616470.
Bethlem myopathy 2 (BTHLM2). Identifiers: Orphanet 536516, Orphanet 610, MedGen C4225313, MONDO:0034022, OMIM 616471.

Submissions (2):

Women's Health and Genetics/Laboratory Corporation of America, LabCorp
Classification: Uncertain significance. Last evaluated: 2026-02-19. Review status: criteria provided, single submitter. Criteria: LabCorp Variant Classification Summary - May 2015. Collection method: clinical testing. Allele origin: germline.
Comment: Variant summary: COL12A1 c.40G>A (p.Ala14Thr) results in a non-conservative amino acid change in the encoded protein sequence. Algorithms developed to predict the effect of missense changes on protein structure and function are either unavailable or do not agree on the potential impact of this missense change. The frequency data for this variant in gnomAD is considered unreliable, as metrics indicate poor data quality at this position. To our knowledge, no occurrence of c.40G>A in individuals affected with COL12A1-related conditions and no experimental evidence demonstrating its impact on protein function have been reported. No submitters have cited clinical-significance assessments for this variant to ClinVar. Based on the evidence outlined above, the variant was classified as uncertain significance.

Labcorp Genetics (formerly Invitae), Labcorp
Classification: Uncertain significance for Bethlem myopathy 2; Ullrich congenital muscular dystrophy 2. Last evaluated: 2025-05-24. Review status: criteria provided, single submitter. Criteria: Invitae Variant Classification Sherloc (09022015). Collection method: clinical testing. Allele origin: germline.
Comment: This sequence change replaces alanine, which is neutral and non-polar, with threonine, which is neutral and polar, at codon 14 of the COL12A1 protein (p.Ala14Thr). This variant is not present in population databases (gnomAD no frequency). This variant has not been reported in the literature in individuals affected with COL12A1-related conditions. An algorithm developed to predict the effect of missense changes on protein structure and function (PolyPhen-2) suggests that this variant is likely to be tolerated. In summary, the available evidence is currently insufficient to determine the role of this variant in disease. Therefore, it has been classified as a Variant of Uncertain Significance.